The following is an entry in ClinVar:

ClinVar aggregate classification (germline): Pathogenic. Review status: reviewed by expert panel (3 of 4 stars). 8 submissions from 8 submitters: Pathogenic (1). 7 of the submissions do not count toward it. Last evaluated 2022-12-15.

Conditions:
Very long chain acyl-CoA dehydrogenase deficiency (ACADVLD). Also called: Very Long-Chain Acyl-Coenzyme A Dehydrogenase Deficiency; VLCAD Deficiency. Identifiers: Orphanet 26793, MedGen C3887523, MONDO:0008723, OMIM 201475.

Submissions (8):

ClinGen ACADVL Variant Curation Expert Panel, ClinGen
Classification: Pathogenic for Very long chain acyl-CoA dehydrogenase deficiency. Last evaluated: 2022-12-15. Review status: reviewed by expert panel. Criteria: clingen acadvl acmg specifications v1. Collection method: curation. Allele origin: germline. Inheritance: Autosomal recessive inheritance.
Comment: The NM_000018.4(ACADVL):c.1145del (p.Lys382Serfs*11) variant in ACADVL is a frameshift variant predicted to cause a premature stop codon in biologically relevant exon 11 leading to nonsense mediate decay in a gene in which loss-of-function is an established disease mechanism (PVS1; PMIDs 9973285, 11590124). The highest population minor allele frequency in gnomAD v2.1.1 is 0.000008 in Non-Finnish European population, which is lower than the ClinGen ACADVL Variant Curation Expert Panel threshold (< 0.001) for PM2_Supporting, meeting this criterion (PM2_Supporting). This variant resides within a region, p.382, of ACADVL that is defined as a critical functional domain for FAD binding and salt-bridge interactions by the ClinGen ACADVL Variant Curation Expert Panel (PM1; PMID: 20060901). In summary, this variant meets the criteria to be classified as pathogenic for autosomal recessive VLCAD deficiency based on the ACMG/AMP criteria applied, as specified by the ClinGen ACADVL Variant Curation Expert Panel: PVS1, PM1, PM2_Supporting.

Dasa
Classification: Likely pathogenic. Last evaluated: 2025-11-21. Review status: criteria provided, single submitter. Criteria: DASA Assertion Criteria. Collection method: clinical testing. Allele origin: germline. Not counted in ClinVar's aggregate classification.
Comment: NM_000018.4(ACADVL):c.1145del (p.Lys382Serfs*11) is a frameshift variant in ACADVL predicted to alter the reading frame and introduce a premature termination codon and is predicted to result in an absent or altered protein product. Loss of function is an established disease mechanism for ACADVL-associated disorders. Also, this variant is rare in population databases. Based on the currently available evidence, this variant is classified as likely pathogenic.

Natera, Inc.
Classification: Likely pathogenic for Very long chain acyl-CoA dehydrogenase deficiency. Last evaluated: 2024-06-18. Review status: criteria provided, single submitter. Criteria: Natera Variant Classification Schema (03/2026). Collection method: clinical testing. Allele origin: germline. Not counted in ClinVar's aggregate classification.
Comment: The c.1145del variant in ACADVL is a frameshift variant predicted to shift the reading frame beginning at codon 382 and leads to a stop codon 11 codons downstream. This variant is expected to result in nonsense mediated decay, truncation, or a dysfunctional protein product. This variant is rare in the general population with a frequency below the threshold expected for the associated phenotype(s). Given the available evidence, this variant is classified as Likely Pathogenic.

ARUP Laboratories, Molecular Genetics and Genomics, ARUP Laboratories
Classification: Pathogenic for Very long chain acyl-CoA dehydrogenase deficiency. Last evaluated: 2024-03-04. Review status: criteria provided, single submitter. Criteria: ARUP Molecular Germline Variant Investigation Process 2024. Collection method: clinical testing. Allele origin: germline. Not counted in ClinVar's aggregate classification.
Comment: The ACADVL c.1145del; p.Lys382SerfsTer11 variant (rs1281137823), to our knowledge, is not reported in the medical literature but is reported in ClinVar (Variation ID: 8180260). This variant is only observed on one allele in the Genome Aggregation Database (v2.1.1), indicating it is not a common polymorphism. This variant causes a frameshift by deleting a single nucleotide, so it is predicted to result in a truncated protein or mRNA subject to nonsense-mediated decay. Based on available information, this variant is considered to be pathogenic.

Labcorp Genetics (formerly Invitae), Labcorp
Classification: Pathogenic for Very long chain acyl-CoA dehydrogenase deficiency. Last evaluated: 2023-11-10. Review status: criteria provided, single submitter. Criteria: Invitae Variant Classification Sherloc (09022015). Collection method: clinical testing. Allele origin: germline. Not counted in ClinVar's aggregate classification.
Comment: This sequence change creates a premature translational stop signal (p.Lys382Serfs*11) in the ACADVL gene. It is expected to result in an absent or disrupted protein product. Loss-of-function variants in ACADVL are known to be pathogenic (PMID: 9973285, 11590124). This variant is present in population databases (no rsID available, gnomAD 0.0009%). This variant has not been reported in the literature in individuals affected with ACADVL-related conditions. ClinVar contains an entry for this variant (Variation ID: 818026). Algorithms developed to predict the effect of sequence changes on RNA splicing suggest that this variant may disrupt the consensus splice site. For these reasons, this variant has been classified as Pathogenic.

Baylor Genetics
Classification: Likely pathogenic for Very long chain acyl-CoA dehydrogenase deficiency. Last evaluated: 2023-10-09. Review status: criteria provided, single submitter. Criteria: ACMG Guidelines, 2015. Collection method: clinical testing. Allele origin: unknown. Not counted in ClinVar's aggregate classification.

Mayo Clinic Laboratories, Mayo Clinic
Classification: Pathogenic. Last evaluated: 2023-10-04. Review status: criteria provided, single submitter. Criteria: ACMG Guidelines, 2015. Collection method: clinical testing. Allele origin: germline. Observed: 1 variant allele. Not counted in ClinVar's aggregate classification.
Comment: PM1, PM2, PVS1

GeneDx
Classification: Pathogenic. Last evaluated: 2019-02-08. Review status: criteria provided, single submitter. Criteria: GeneDx Variant Classification (06012015). Collection method: clinical testing. Allele origin: germline. Affected: yes. Not counted in ClinVar's aggregate classification.
Comment: The c.1145delA variant has not been published as a pathogenic variant, nor has it been reported as a benign variant to our knowledge. The c.1145delA variant is not observed at a significant frequency in large population cohorts (Lek et al., 2016). The c.1145delA deletion causes a frameshift starting with codon Lysine 382, changes this amino acid to a Serine residue and creates a premature Stop codon at position 11 of the new reading frame, denoted p.Lys382SerfsX11. This variant is predicted to cause loss of normal protein function either through protein truncation or nonsense-mediated mRNA decay. In summary, we interpret c.1145delA as pathogenic.

Literature cited by the submitters: PubMed 9973285 (cited by Labcorp Genetics (formerly Invitae), Labcorp and Mayo Clinic Laboratories, Mayo Clinic); PubMed 11590124 (cited by Labcorp Genetics (formerly Invitae), Labcorp and Mayo Clinic Laboratories, Mayo Clinic); PubMed 20060901 (cited by Mayo Clinic Laboratories, Mayo Clinic).

NM_000018.4(ACADVL):c.1145del (p.Lys382fs)

Gene: ACADVL (acyl-CoA dehydrogenase very long chain; plus strand). Cytogenetic location: 17p13.1.
Variant type: Deletion.
Coding change: c.1145del on transcript NM_000018.4 (MANE Select); coding-DNA position 1145, one base deleted (A; older notation c.1145delA).
Protein change: p.Lys382fs; shifts the reading frame from lysine 382.
Molecular consequence: frameshift variant.
Genome position (GRCh38, 1-based): chr17:7,223,200, A deleted; the last of 2 consecutive A bases (chr17:7,223,199-7,223,200); deleting either gives the same sequence. VCF-style (leftmost placement, unchanged base first): chr17-7223198-GA-G. GRCh37 (hg19) VCF-style: chr17-7126517-GA-G.
Other names: NM_000018.4(ACADVL):c.1145del; p.Lys382fs; p.Lys382Serfs*11; c.1079del, p.Lys360fs (NM_001033859.3); c.1214del, p.Lys405fs (NM_001270447.2); c.917del, p.Lys306fs (NM_001270448.2); c.1145del (NM_000018.3); short protein forms K306fs, K360fs, K382fs, K405fs.
Identifiers: ClinVar variation 818026 (VCV000818026.15), dbSNP rs1281137823, ClinGen allele CA624861283.